The following is an entry in ClinVar:

ClinVar aggregate classification (germline): Uncertain significance (1 of 4 stars; one submission).

Allele frequency attached by ClinVar (database versions not stated): TOPMed below 0.00001.

Submission:

Labcorp Genetics (formerly Invitae), Labcorp
Classification: Uncertain significance. Last evaluated: 2021-04-15. Review status: criteria provided, single submitter. Criteria: Invitae Variant Classification Sherloc (09022015). Collection method: clinical testing. Allele origin: germline.
Comment: Algorithms developed to predict the effect of missense changes on protein structure and function are either unavailable or do not agree on the potential impact of this missense change (SIFT: "Deleterious"; PolyPhen-2: "Probably Damaging"; Align-GVGD: "Class C0"). In summary, the available evidence is currently insufficient to determine the role of this variant in disease. Therefore, it has been classified as a Variant of Uncertain Significance. This variant has not been reported in the literature in individuals with TAPT1-related conditions. This variant is not present in population databases (ExAC no frequency). This sequence change replaces aspartic acid with asparagine at codon 353 of the TAPT1 protein (p.Asp353Asn). The aspartic acid residue is highly conserved and there is a small physicochemical difference between aspartic acid and asparagine.

NM_153365.3(TAPT1):c.1057G>A (p.Asp353Asn)

Gene: TAPT1 (transmembrane anterior posterior transformation 1; minus strand). Cytogenetic location: 4p15.32.
Variant type: single nucleotide variant.
Coding change: c.1057G>A on transcript NM_153365.3 (MANE Select); coding-DNA position 1057, G replaced by A.
Protein change: p.Asp353Asn; replaces aspartic acid 353 with asparagine.
Molecular consequence: missense variant.
Genome position (GRCh38, 1-based): chr4:16,176,169, C>T on the plus strand (G>A on the coding strand, the complement: TAPT1 is on the minus strand). VCF-style: chr4-16176169-C-T. GRCh37 (hg19) VCF-style: chr4-16177792-C-T.
Other names: short protein forms D353N.
Identifiers: ClinVar variation 1497927 (VCV001497927.8), dbSNP rs1387227130, ClinGen allele CA356494818.